The following is an entry in ClinVar:

NM_153766.3(KCNJ1):c.10C>T (p.His4Tyr)

Gene: KCNJ1 (potassium inwardly rectifying channel subfamily J member 1; minus strand). Cytogenetic location: 11q24.3.
Variant type: single nucleotide variant.
Coding change: c.10C>T on transcript NM_153766.3 (MANE Select); coding-DNA position 10, C replaced by T.
Protein change: p.His4Tyr; replaces histidine 4 with tyrosine.
Molecular consequence: missense variant.
Genome position (GRCh38, 1-based): chr11:128,840,234, G>A on the plus strand (C>T on the coding strand, the complement: KCNJ1 is on the minus strand). VCF-style: chr11-128840234-G-A. GRCh37 (hg19) VCF-style: chr11-128710129-G-A.
Other names: c.67C>T, p.His23Tyr (NM_000220.6); c.10C>T, p.His4Tyr (NM_153764.3, NM_153767.4); c.61C>T, p.His21Tyr (NM_153765.3); c.67C>T (NM_000220.2); short protein forms H21Y, H4Y, H23Y.
Identifiers: ClinVar variation 1913637 (VCV001913637.3), dbSNP rs1943260833, ClinGen allele CA383248190.

ClinVar aggregate classification (germline): Uncertain significance. Review status: criteria provided, multiple submitters, no conflicts (2 of 4 stars). 2 submissions from 2 submitters: Uncertain significance (2). Last evaluated 2023-11-07.

Conditions:
Inborn genetic diseases. Identifiers: MedGen C0950123, MeSH D030342.

Allele frequency attached by ClinVar (database versions not stated): gnomAD exomes 0.00001.
gnomAD v4.1: 8 of 1,614,132 alleles (0.0005%); highest among the groups gnomAD compares: East Asian, 0.013%; no homozygotes.

Submissions (2):

Ambry Genetics
Classification: Uncertain significance for Inborn genetic diseases. Last evaluated: 2023-11-07. Review status: criteria provided, single submitter. Criteria: Ambry Variant Classification Scheme 2023. Collection method: clinical testing. Allele origin: germline.

Labcorp Genetics (formerly Invitae), Labcorp
Classification: Uncertain significance. Last evaluated: 2022-08-02. Review status: criteria provided, single submitter. Criteria: Invitae Variant Classification Sherloc (09022015). Collection method: clinical testing. Allele origin: germline.
Comment: This sequence change replaces histidine, which is basic and polar, with tyrosine, which is neutral and polar, at codon 23 of the KCNJ1 protein (p.His23Tyr). This variant is not present in population databases (gnomAD no frequency). This variant has not been reported in the literature in individuals affected with KCNJ1-related conditions. Algorithms developed to predict the effect of missense changes on protein structure and function output the following: SIFT: "Tolerated"; PolyPhen-2: "Benign"; Align-GVGD: "Class C0". The tyrosine amino acid residue is found in multiple mammalian species, which suggests that this missense change does not adversely affect protein function. In summary, the available evidence is currently insufficient to determine the role of this variant in disease. Therefore, it has been classified as a Variant of Uncertain Significance.